The following is an entry in ClinVar:

NM_004320.6(ATP2A1):c.2726T>C (p.Met909Thr)

Gene: ATP2A1 (ATPase sarcoplasmic/endoplasmic reticulum Ca2+ transporting 1; plus strand). Cytogenetic location: 16p11.2.
Variant type: single nucleotide variant.
Coding change: c.2726T>C on transcript NM_004320.6 (MANE Select); coding-DNA position 2726, T replaced by C.
Protein change: p.Met909Thr; replaces methionine 909 with threonine.
Molecular consequence: missense variant.
Genome position (GRCh38, 1-based): chr16:28,902,893, T>C. VCF-style: chr16-28902893-T-C. GRCh37 (hg19) VCF-style: chr16-28914214-T-C.
Other names: c.2351T>C, p.Met784Thr (NM_001286075.2); c.2726T>C, p.Met909Thr (NM_173201.5); short protein forms M909T, M784T.
Identifiers: ClinVar variation 2141658 (VCV002141658.4), dbSNP rs1163303374, ClinGen allele CA395415341.

ClinVar aggregate classification (germline): Uncertain significance (1 of 4 stars; one submission).

Conditions:
Brody myopathy. Also called: BRODY DISEASE. Identifiers: Orphanet 53347, MedGen C1832918, MONDO:0010977, OMIM 601003.

Allele frequency attached by ClinVar (database versions not stated): gnomAD exomes below 0.00001; gnomAD 0.00001.
gnomAD v4.1: 4 of 1,613,742 alleles (0.00025%); highest among the groups gnomAD compares: South Asian, 0.0033%; no homozygotes.

Submission:

Labcorp Genetics (formerly Invitae), Labcorp
Classification: Uncertain significance for Brody myopathy. Last evaluated: 2022-08-19. Review status: criteria provided, single submitter. Criteria: Invitae Variant Classification Sherloc (09022015). Collection method: clinical testing. Allele origin: germline.
Comment: In summary, the available evidence is currently insufficient to determine the role of this variant in disease. Therefore, it has been classified as a Variant of Uncertain Significance. Algorithms developed to predict the effect of missense changes on protein structure and function are either unavailable or do not agree on the potential impact of this missense change (SIFT: "Deleterious"; PolyPhen-2: "Probably Damaging"; Align-GVGD: "Class C0"). This sequence change replaces methionine, which is neutral and non-polar, with threonine, which is neutral and polar, at codon 909 of the ATP2A1 protein (p.Met909Thr). This variant is present in population databases (no rsID available, gnomAD 0.01%). This variant has not been reported in the literature in individuals affected with ATP2A1-related conditions.